The following is an entry in ClinVar:

ClinVar aggregate classification (germline): Uncertain significance (1 of 4 stars; one submission).

Conditions:
Hereditary spastic paraplegia 11. Also called: SPASTIC PARAPLEGIA, AUTOSOMAL RECESSIVE, COMPLICATED, WITH THIN CORPUS CALLOSUM; SPASTIC PARAPLEGIA, AUTOSOMAL RECESSIVE, WITH MENTAL IMPAIRMENT AND THIN CORPUS CALLOSUM; Spastic Paraplegia 11; Spastic paraplegia, mental retardation and thin corpus callosum; Nakamura Osame syndrome; Autosomal recessive hereditary spastic paraplegia, mental impairment, and thin corpus callosum. Identifiers: Orphanet 2822, MedGen C1858479, MONDO:0011445, OMIM 604360.

Allele frequency attached by ClinVar (database versions not stated): gnomAD below 0.00001 and 0.00001; gnomAD exomes 0.00001 and 0.00005; ExAC 0.00007.
gnomAD v4.1: 25 of 1,613,374 alleles (0.0015%); highest among the groups gnomAD compares: South Asian, 0.023%; no homozygotes.

Submission:

Labcorp Genetics (formerly Invitae), Labcorp
Classification: Uncertain significance for Hereditary spastic paraplegia 11. Last evaluated: 2021-08-30. Review status: criteria provided, single submitter. Criteria: Invitae Variant Classification Sherloc (09022015). Collection method: clinical testing. Allele origin: germline.
Comment: This sequence change replaces lysine with arginine at codon 638 of the SPG11 protein (p.Lys638Arg). The lysine residue is moderately conserved and there is a small physicochemical difference between lysine and arginine. This variant is present in population databases (rs772835480, ExAC 0.05%). This variant has not been reported in the literature in individuals affected with SPG11-related conditions. Algorithms developed to predict the effect of missense changes on protein structure and function output the following: SIFT: "Tolerated"; PolyPhen-2: "Benign"; Align-GVGD: "Class C0". The arginine amino acid residue is found in multiple mammalian species, which suggests that this missense change does not adversely affect protein function. In summary, the available evidence is currently insufficient to determine the role of this variant in disease. Therefore, it has been classified as a Variant of Uncertain Significance.

NM_025137.4(SPG11):c.1913A>G (p.Lys638Arg)

Gene: SPG11 (SPG11 vesicle trafficking associated, spatacsin; minus strand). Cytogenetic location: 15q21.1.
Variant type: single nucleotide variant.
Coding change: c.1913A>G on transcript NM_025137.4 (MANE Select); coding-DNA position 1913, A replaced by G.
Protein change: p.Lys638Arg; replaces lysine 638 with arginine.
Molecular consequence: missense variant.
Genome position (GRCh38, 1-based): chr15:44,628,823, T>C on the plus strand (A>G on the coding strand, the complement: SPG11 is on the minus strand). VCF-style: chr15-44628823-T-C. GRCh37 (hg19) VCF-style: chr15-44921021-T-C.
Other names: c.1913A>G, p.Lys638Arg (NM_001160227.2); short protein forms K638R.
Identifiers: ClinVar variation 1014132 (VCV001014132.6), dbSNP rs772835480, ClinGen allele CA7535391.